The following is an entry in ClinVar:

NM_000218.3(KCNQ1):c.1354C>T (p.Arg452Trp)

Gene: KCNQ1 (potassium voltage-gated channel subfamily Q member 1; plus strand). Cytogenetic location: 11p15.5.
Variant type: single nucleotide variant.
Coding change: c.1354C>T on transcript NM_000218.3 (MANE Select); coding-DNA position 1354, C replaced by T.
Protein change: p.Arg452Trp; replaces arginine 452 with tryptophan.
Molecular consequence: missense variant.
Genome position (GRCh38, 1-based): chr11:2,588,815, C>T. VCF-style: chr11-2588815-C-T. GRCh37 (hg19) VCF-style: chr11-2610045-C-T.
Other names: p.R452W:CGG>TGG; c.1354C>T (LRG_287t1); c.1258C>T, p.Arg420Trp (NM_001406836.1); c.1084C>T, p.Arg362Trp (NM_001406837.1); c.814C>T, p.Arg272Trp (NM_001406838.1); c.973C>T, p.Arg325Trp (NM_181798.2); short protein forms R452W, R325W, R420W, R272W, R362W.
Identifiers: ClinVar variation 52980 (VCV000052980.32), dbSNP rs140452381, ClinGen allele CA005672.

ClinVar aggregate classification (germline): Conflicting classifications of pathogenicity. Review status: criteria provided, conflicting classifications (1 of 4 stars). 11 submissions from 11 submitters: Uncertain significance (8); Benign (1); Likely benign (1). 1 of the submissions does not count toward it. Last evaluated 2026-02-12.

Conditions:
Cardiovascular phenotype. Identifiers: MedGen CN230736.
Cardiac arrhythmia. Also called: Arrhythmia; Cardiac rhythm disease. Identifiers: MedGen C0003811, MONDO:0007263, HP:0011675.
Familial long QT syndrome (RWS). Also called: Congenital long QT syndrome; Romano-Ward syndrome; VENTRICULAR FIBRILLATION WITH PROLONGED QT INTERVAL. Identifiers: Orphanet 768, MedGen C1141890, MONDO:0019171.
Atrial fibrillation, familial, 3 (ATFB3). Identifiers: MedGen C1837014, MONDO:0011857, OMIM 607554.
Long QT syndrome 1 (LQT1). Identifiers: Orphanet 101016, Orphanet 768, MedGen C4551647, MONDO:0100316, OMIM 192500, MONDO:0008646.
Beckwith-Wiedemann syndrome (BWS). Also called: Exomphalos macroglossia gigantism syndrome; EMG SYNDROME. Identifiers: Orphanet 116, MedGen C0004903, MONDO:0007534, OMIM 130650.
Jervell and Lange-Nielsen syndrome 1 (JLNS1). Also called: CARDIOAUDITORY SYNDROME OF JERVELL AND LANGE-NIELSEN; DEAFNESS, CONGENITAL, AND FUNCTIONAL HEART DISEASE; PROLONGED QT INTERVAL IN EKG AND SUDDEN DEATH; SURDO-CARDIAC SYNDROME. Identifiers: Orphanet 768, Orphanet 90647, MedGen C4551509, MONDO:0024540, OMIM 220400.
Short QT syndrome type 2. Identifiers: Orphanet 51083, MedGen C1865019, MONDO:0012313, OMIM 609621.
Long QT syndrome (LQTS). Identifiers: MedGen C0023976, MeSH D008133, MONDO:0002442. Disease mechanism: loss of function. Inheritance: Various modes of inheritance.

Allele frequency attached by ClinVar (database versions not stated): gnomAD exomes 0.00003 and 0.00008; 1000 Genomes Project 30x 0.00062; gnomAD 0.00017 and 0.00016; ExAC 0.00009; 1000 Genomes Project 0.00040; ESP Exome Variant Server 0.00015; TOPMed 0.00020.
gnomAD v4.1: 72 of 1,613,116 alleles (0.0045%); highest among the groups gnomAD compares: African/African-American, 0.083%; no homozygotes.

Submissions (11):

GeneDx
Classification: Uncertain significance. Last evaluated: 2026-02-12. Review status: criteria provided, single submitter. Criteria: GeneDx Variant Classification Process June 2021. Collection method: clinical testing. Allele origin: germline. Affected: yes.
Comment: Reported in association with LQTS and death during sleep (PMID: 28449774, 15840476); In silico analysis supports that this missense variant has a deleterious effect on protein structure/function; This variant is associated with the following publications: (PMID: 24055113, 22378279, 25637381, 25608792, 15840476, 29197658, 22581653, 28449774)

Labcorp Genetics (formerly Invitae), Labcorp
Classification: Likely benign for Long QT syndrome. Last evaluated: 2026-02-02. Review status: criteria provided, single submitter. Criteria: Invitae Variant Classification Sherloc (09022015). Collection method: clinical testing. Allele origin: germline.

All of Us Research Program, National Institutes of Health
Classification: Uncertain significance for Long QT syndrome. Last evaluated: 2024-08-13. Review status: criteria provided, single submitter. Criteria: ACMG Guidelines, 2015. Collection method: clinical testing. Allele origin: germline. Inheritance: Autosomal dominant inheritance. Observed: 17 variant alleles, 17 heterozygotes.
Comment: This missense variant replaces arginine with tryptophan at codon 452 of the KCNQ1 protein. Computational prediction is inconclusive regarding the impact of this variant on protein structure and function (internally defined REVEL score threshold 0.5 < inconclusive < 0.7, PMID: 27666373). To our knowledge, functional studies have not been reported for this variant. This variant has been reported in an individual suspected to be affected with long QT syndrome (PMID: 15840476) and in an individual affected with sudden unexplained death (PMID: 28449774). It has also been reported in two healthy control individuals (PMID: 22378279). This variant has been identified in 25/281126 chromosomes in the general population by the Genome Aggregation Database (gnomAD). The elevated variant allele frequency in the general population indicates that this variant may not be disease-causing. However, additional studies are necessary to determine the role of this variant in disease conclusively. Therefore, this variant is classified as a Variant of Uncertain Significance.

This study involves interpretation of variants in research participants for the purpose of population health screening. Participant phenotype was not available at the time of variant classification. Additional details can be found in publication PMID: 35346344, PMCID: PMC8962531

Color Diagnostics, LLC DBA Color Health
Classification: Uncertain significance for Cardiac arrhythmia. Last evaluated: 2024-05-28. Review status: criteria provided, single submitter. Criteria: ACMG Guidelines, 2015. Collection method: clinical testing. Allele origin: germline.
Comment: This missense variant replaces arginine with tryptophan at codon 452 of the KCNQ1 protein. Computational prediction is inconclusive regarding the impact of this variant on protein structure and function (internally defined REVEL score threshold 0.5 < inconclusive < 0.7, PMID: 27666373). To our knowledge, functional studies have not been reported for this variant. This variant has been reported in an individual suspected to be affected with long QT syndrome (PMID: 15840476) and in an individual affected with sudden unexplained death (PMID: 28449774). It has also been reported in two healthy control individuals (PMID: 22378279). This variant has been identified in 25/281126 chromosomes in the general population by the Genome Aggregation Database (gnomAD). The elevated variant allele frequency in the general population indicates that this variant may not be disease-causing. However, additional studies are necessary to determine the role of this variant in disease conclusively. Therefore, this variant is classified as a Variant of Uncertain Significance.

Ambry Genetics
Classification: Benign for Cardiovascular phenotype. Last evaluated: 2023-05-22. Review status: criteria provided, single submitter. Criteria: Ambry Variant Classification Scheme 2023. Collection method: clinical testing. Allele origin: germline.

ARUP Laboratories, Molecular Genetics and Genomics, ARUP Laboratories
Classification: Uncertain significance. Last evaluated: 2022-12-21. Review status: criteria provided, single submitter. Criteria: ARUP Molecular Germline Variant Investigation Process 2024. Collection method: clinical testing. Allele origin: germline.
Comment: The KCNQ1 c.1354C>T; p.Arg452Trp variant (rs140452381) is reported in the literature in an individual affected with long QT syndrome (Tester 2005) and an individual with sudden arrhythmic death syndrome (Lahrouchi 2017), but without clear association with disease. This variant is also reported in ClinVar (Variation ID: 52980), and is found in the African/African-American population with an allele frequency of 0.0097% (24/24776 alleles) in the Genome Aggregation Database. The arginine at codon 452 is moderately conserved, and computational analyses are uncertain whether this variant is neutral or deleterious (REVEL: 0.626). Due to limited information, the clinical significance of this variant is uncertain at this time. References: Lahrouchi N et al. Utility of Post-Mortem Genetic Testing in Cases of Sudden Arrhythmic Death Syndrome. J Am Coll Cardiol. 2017 May 2;69(17):2134-2145. PMID: 28449774. Tester DJ et al. Compendium of cardiac channel mutations in 541 consecutive unrelated patients referred for long QT syndrome genetic testing. Heart Rhythm. 2005 May;2(5):507-17. PMID: 15840476.

MVZ Martinsried, Medicover Genetics
Classification: Uncertain significance for Long QT syndrome 1. Last evaluated: 2020-02-18. Review status: criteria provided, single submitter. Criteria: ACMG Guidelines, 2015. Collection method: clinical testing. Allele origin: unknown. Affected: yes.

Fulgent Genetics
Classification: Uncertain significance for Beckwith-Wiedemann syndrome; Long QT syndrome 1; Jervell and Lange-Nielsen syndrome 1; Atrial fibrillation, familial, 3; Short QT syndrome type 2. Last evaluated: 2018-10-31. Review status: criteria provided, single submitter. Criteria: ACMG Guidelines, 2015. Collection method: clinical testing. Allele origin: unknown.

Center for Pediatric Genomic Medicine, Children's Mercy Hospital and Clinics
Classification: Uncertain significance. Last evaluated: 2016-04-08. Review status: criteria provided, single submitter. Criteria: ACMG Guidelines, 2015. Collection method: clinical testing. Allele origin: germline.
ClinVar note: Converted during submission from Uncertain Significance to Uncertain significance.

CSER _CC_NCGL, University of Washington
Classification: Uncertain significance for Long QT syndrome. Last evaluated: 2014-06-01. Review status: criteria provided, single submitter. Criteria: Amendola et al. (Genome Res. 2015). Collection method: research. Allele origin: germline. Inheritance: Autosomal dominant inheritance. Study: ESP 6500 variant annotation.
Comment: Low GERP score may suggest that this variant may belong in a lower pathogenicity class

Variants classified for the Actionable exomic incidental findings in 6503 participants: challenges of variant classification manuscript

Cardiovascular Biomedical Research Unit, Royal Brompton & Harefield NHS Foundation Trust
No classification provided. Condition: Familial long QT syndrome. Review status: no classification provided. Collection method: literature only. Allele origin: germline. Not counted in ClinVar's aggregate classification.
Comment: This variant has been reported as associated with Long QT syndrome in the following publications (PMID:15840476;PMID:22378279). This is a literature report, and does not necessarily reflect the clinical interpretation of the Imperial College / Royal Brompton Cardiovascular Genetics laboratory.

Literature cited by the submitters: PubMed 15840476 (cited by 4 submitters); PubMed 22378279 (cited by 4 submitters); PubMed 28449774 (cited by 3 submitters); PubMed 24055113 (cited by Ambry Genetics); PubMed 25608792 (cited by Ambry Genetics); PubMed 25637381 (cited by Ambry Genetics); PubMed 25854863 (cited by Ambry Genetics); PubMed 29197658 (cited by Ambry Genetics); PubMed 22581653 (cited by Cardiovascular Biomedical Research Unit, Royal Brompton & Harefield NHS Foundation Trust).